The following is an entry in ClinVar:

ClinVar aggregate classification (somatic clinical impact): Tier II - Potential (1 of 4 stars; one submission).

Conditions:
Rhabdomyosarcoma. Also called: Rhabdomyosarcoma (disease). Identifiers: Orphanet 780, MedGen C0035412, MeSH D012208, MONDO:0005212, HP:0002859.

Submission:

Institute for Genomic Medicine (IGM) Clinical Laboratory, Nationwide Children's Hospital
Classification: Tier II - Potential for Rhabdomyosarcoma. Assertion type: diagnostic. Clinical significance: supports diagnosis. Last evaluated: 2025-03-27. Review status: criteria provided, single submitter. Criteria: AMP/ASCO/CAP Guidelines, 2017. Collection method: clinical testing. Allele origin: somatic. Affected: yes.
Comment: Variant has Tier II (potential) clinical significance as a diagnostic inclusion criterion in rhabdomyosarcoma, based on the following evidence: 1) Documented in one or more cancer databases (e.g., St. Jude Pecan, COSMIC, CIViC, OncoKB). 2) Assists in diagnosis alone or along with other biomarkers based on small studies or few case reports (Evidence Level D; PMIDs: 35705558, 35705560).

Literature cited by the submitters: PubMed 35705558; PubMed 35705560.

NM_017617.5(NOTCH1):c.5216_5217insCGCGGGTGAGACCGTGGAGCCGCCCCCGCCGGCGCAGCTGCACTTCATGTACGT

Gene: NOTCH1 (notch receptor 1; minus strand). Cytogenetic location: 9q34.3.
Variant type: Insertion.
Coding change: c.5216_5217insCGCGGGTGAGACCGTGGAGCCGCCCCCGCCGGCGCAGCTGCACTTCATGTACGT on transcript NM_017617.5 (MANE Select); coding-DNA positions 5216 to 5217, CGCGGGTGAGACCGTGGAGCCGCCCCCGCCGGCGCAGCTGCACTTCATGTACGT inserted.
Genome position: GRCh38: chr9:136,502,489-136,502,490. GRCh37 (hg19): chr9:139,396,941-139,396,942.
Identifiers: ClinVar variation 4530441 (VCV004530441.1).